The following is an entry in ClinVar:

NM_000093.5(COL5A1):c.2430+20C>T

Gene: COL5A1 (collagen type V alpha 1 chain; plus strand). Cytogenetic location: 9q34.3.
Variant type: single nucleotide variant.
Coding change: c.2430+20C>T on transcript NM_000093.5 (MANE Select); 20 bases into the intron after coding-DNA position 2430, C replaced by T.
Molecular consequence: intron variant.
Genome position (GRCh38, 1-based): chr9:134,780,166, C>T. VCF-style: chr9-134780166-C-T. GRCh37 (hg19) VCF-style: chr9-137672012-C-T.
Other names: c.2430+20C>T (NM_001278074.1).
Identifiers: ClinVar variation 136866 (VCV000136866.19), dbSNP rs3124932, ClinGen allele CA290234.

ClinVar aggregate classification (germline): Benign. Review status: criteria provided, multiple submitters, no conflicts (2 of 4 stars). 10 submissions from 9 submitters: Benign (8). 2 of the submissions do not count toward it. Last evaluated 2026-02-04.

Conditions:
Fibromuscular dysplasia, multifocal. Identifiers: MedGen C5543412, MONDO:0859151, OMIM 619329.
Ehlers-Danlos syndrome, classic type, 1 (EDSCL1). Also called: Ehlers-Danlos syndrome, type 1; EHLERS-DANLOS SYNDROME, GRAVIS TYPE; EHLERS-DANLOS SYNDROME, SEVERE CLASSIC TYPE; Ehlers-Danlos Syndrome, Classic Type, COL5A1-Related; EDS I. Identifiers: MedGen C0268335, MONDO:0019567, OMIM 130000.

Allele frequency attached by ClinVar (database versions not stated): 1000 Genomes Project 0.28794; 1000 Genomes Project 30x 0.28841; TOPMed 0.35763; ESP Exome Variant Server 0.35876; gnomAD 0.36473 and 0.36524; ExAC 0.40884; gnomAD exomes 0.41763 and 0.44773.
gnomAD v4.1: 707,894 of 1,611,542 alleles (44%); highest among the groups gnomAD compares: Admixed American, 49%; 163,758 homozygotes.

Submissions (10):

Labcorp Genetics (formerly Invitae), Labcorp
Classification: Benign for Ehlers-Danlos syndrome, classic type, 1. Last evaluated: 2026-02-04. Review status: criteria provided, single submitter. Criteria: Invitae Variant Classification Sherloc (09022015). Collection method: clinical testing. Allele origin: germline.

Blueprint Genetics
Classification: Benign. Last evaluated: 2024-11-27. Review status: criteria provided, single submitter. Criteria: ACMG Guidelines, 2015. Collection method: clinical testing. Allele origin: germline.

Genome-Nilou Lab
Classification: Benign for Ehlers-Danlos syndrome, classic type, 1. Last evaluated: 2021-07-30. Review status: criteria provided, single submitter. Criteria: ACMG Guidelines, 2015. Collection method: clinical testing. Allele origin: germline. Affected: no.

Genome-Nilou Lab
Classification: Benign for Fibromuscular dysplasia, multifocal. Last evaluated: 2021-07-30. Review status: criteria provided, single submitter. Criteria: ACMG Guidelines, 2015. Collection method: clinical testing. Allele origin: germline. Affected: no.

Women's Health and Genetics/Laboratory Corporation of America, LabCorp
Classification: Benign. Last evaluated: 2017-03-15. Review status: criteria provided, single submitter. Criteria: LabCorp Variant Classification Summary - May 2015. Collection method: clinical testing. Allele origin: germline.
Comment: Variant summary: The COL5A1 c.2430+20C>T variant involves the alteration of a non-conserved intronic nucleotide. Although Mutation Taster was down at the time of this scoring, 5/5 splice prediction tools predict no significant impact on normal splicing and has no significant effect on ESE sites at the locus. However, these predictions have yet to be confirmed by functional studies. This variant was found in 49278/120530 control chromosomes (11250 homozygotes) at a frequency of 0.4088443, which is approximately 327075 times the estimated maximal expected allele frequency of a pathogenic COL5A1 variant (0.0000013), suggesting this variant is likely a benign polymorphism. In addition, multiple clinical diagnostic laboratories/reputable databases classified this variant as benign. Taken together, this variant is classified as benign.

GeneDx
Classification: Benign. Last evaluated: 2012-11-02. Review status: criteria provided, single submitter. Criteria: GeneDx Variant Classification (06012015). Collection method: clinical testing. Allele origin: germline. Affected: yes.
Comment: This variant is considered likely benign or benign based on one or more of the following criteria: it is a conservative change, it occurs at a poorly conserved position in the protein, it is predicted to be benign by multiple in silico algorithms, and/or has population frequency not consistent with disease.

Breakthrough Genomics
Classification: Benign. Review status: criteria provided, single submitter. Criteria: ACMG Guidelines, 2015. Collection method: not provided. Allele origin: germline. Inheritance: Autosomal dominant inheritance. Affected: yes.

PreventionGenetics, part of Exact Sciences
Classification: Benign. Review status: criteria provided, single submitter. Criteria: ACMG Guidelines, 2015. Collection method: clinical testing. Allele origin: germline.

Diagnostic Laboratory, Department of Genetics, University Medical Center Groningen
Classification: Benign. Review status: no assertion criteria provided. Collection method: clinical testing. Allele origin: germline. Affected: yes. Study: VKGL Data-share Consensus. Not counted in ClinVar's aggregate classification.

Genome Diagnostics Laboratory, Amsterdam University Medical Center
Classification: Benign. Review status: no assertion criteria provided. Collection method: clinical testing. Allele origin: germline. Affected: yes. Study: VKGL Data-share Consensus. Not counted in ClinVar's aggregate classification.